The following is an entry in ClinVar:

NM_001379291.1(BRD4):c.3290G>A (p.Arg1097His)

Gene: BRD4 (bromodomain containing 4; minus strand). Cytogenetic location: 19p13.12.
Variant type: single nucleotide variant.
Coding change: c.3290G>A on transcript NM_001379291.1 (MANE Select); coding-DNA position 3290, G replaced by A.
Protein change: p.Arg1097His; replaces arginine 1097 with histidine.
Molecular consequence: missense variant.
Genome position (GRCh38, 1-based): chr19:15,239,814, C>T on the plus strand (G>A on the coding strand, the complement: BRD4 is on the minus strand). VCF-style: chr19-15239814-C-T. GRCh37 (hg19) VCF-style: chr19-15350625-C-T.
Other names: c.3290G>A, p.Arg1097His (NM_058243.3); short protein forms R1097H.
Identifiers: ClinVar variation 1613420 (VCV001613420.11), dbSNP rs35676845, ClinGen allele CA9264720.

ClinVar aggregate classification (germline): Benign/Likely benign. Review status: criteria provided, multiple submitters, no conflicts (2 of 4 stars). 3 submissions from 3 submitters: Benign (2); Likely benign (1). Last evaluated 2026-01-28.

Allele frequency attached by ClinVar (database versions not stated): TOPMed 0.01196; 1000 Genomes Project 0.00619; 1000 Genomes Project 30x 0.00750; gnomAD 0.01226 and 0.01197; ESP Exome Variant Server 0.01392.
gnomAD v4.1: 22,502 of 1,613,654 alleles (1.4%); highest among the groups gnomAD compares: Non-Finnish European, 1.6%; 239 homozygotes.

Submissions (3):

Labcorp Genetics (formerly Invitae), Labcorp
Classification: Benign. Last evaluated: 2026-01-28. Review status: criteria provided, single submitter. Criteria: Invitae Variant Classification Sherloc (09022015). Collection method: clinical testing. Allele origin: germline.

GeneDx
Classification: Likely benign. Last evaluated: 2021-05-04. Review status: criteria provided, single submitter. Criteria: GeneDx Variant Classification Process June 2021. Collection method: clinical testing. Allele origin: germline. Affected: yes.
Comment: See Variant Classification Assertion Criteria.

Breakthrough Genomics
Classification: Benign. Review status: criteria provided, single submitter. Criteria: ACMG Guidelines, 2015. Collection method: not provided. Allele origin: germline. Inheritance: Unknown mechanism. Affected: yes.